The following is an entry in ClinVar:

ClinVar aggregate classification (germline): Uncertain significance. Review status: criteria provided, multiple submitters, no conflicts (2 of 4 stars). 3 submissions from 3 submitters: Uncertain significance (3). Last evaluated 2026-09-11.

Conditions:
Hereditary cancer-predisposing syndrome. Also called: Neoplastic Syndromes, Hereditary; Tumor predisposition; Hereditary Cancer Syndrome; Hereditary neoplastic syndrome. Identifiers: Orphanet 140162, MedGen C0027672, MeSH D009386, MONDO:0015356.
Tuberous sclerosis 1 (TSC1). Identifiers: Orphanet 805, MedGen C1854465, MONDO:0008612, OMIM 191100.

gnomAD v4.1: 1 of 1,613,454 alleles (0.000062%); highest among the groups gnomAD compares: Non-Finnish European, 0.000085%; no homozygotes.

Submissions (3):

Ambry Genetics
Classification: Uncertain significance for Hereditary cancer-predisposing syndrome. Last evaluated: 2026-09-11. Review status: criteria provided, single submitter. Criteria: Ambry Variant Classification Scheme 2023. Collection method: clinical testing. Allele origin: germline.
Comment: The p.D738V variant (also known as c.2213A>T), located in coding exon 16 of the TSC1 gene, results from an A to T substitution at nucleotide position 2213. The aspartic acid at codon 738 is replaced by valine, an amino acid with highly dissimilar properties. This amino acid position is conserved. In addition, this alteration is predicted to be deleterious by in silico analysis. Based on the available evidence, the clinical significance of this variant remains unclear.

Labcorp Genetics (formerly Invitae), Labcorp
Classification: Uncertain significance for Tuberous sclerosis 1. Last evaluated: 2025-08-27. Review status: criteria provided, single submitter. Criteria: Invitae Variant Classification Sherloc (09022015). Collection method: clinical testing. Allele origin: germline.
Comment: This sequence change replaces aspartic acid, which is acidic and polar, with valine, which is neutral and non-polar, at codon 738 of the TSC1 protein (p.Asp738Val). This variant is not present in population databases (gnomAD no frequency). This variant has not been reported in the literature in individuals affected with TSC1-related conditions. ClinVar contains an entry for this variant (Variation ID: 1310011). Invitae Evidence Modeling of protein sequence and biophysical properties (such as structural, functional, and spatial information, amino acid conservation, physicochemical variation, residue mobility, and thermodynamic stability) indicates that this missense variant is not expected to disrupt TSC1 protein function with a negative predictive value of 95%. In summary, the available evidence is currently insufficient to determine the role of this variant in disease. Therefore, it has been classified as a Variant of Uncertain Significance.

GeneDx
Classification: Uncertain significance. Last evaluated: 2019-10-29. Review status: criteria provided, single submitter. Criteria: GeneDx Variant Classification Process June 2021. Collection method: clinical testing. Allele origin: germline. Affected: yes.
Comment: Not observed in large population cohorts (Lek 2016); In silico analysis, which includes protein predictors and evolutionary conservation, supports a deleterious effect; Has not been previously published as pathogenic or benign to our knowledge

NM_000368.5(TSC1):c.2213A>T (p.Asp738Val)

Gene: TSC1 (TSC complex subunit 1; minus strand). Cytogenetic location: 9q34.13.
Variant type: single nucleotide variant.
Coding change: c.2213A>T on transcript NM_000368.5 (MANE Select); coding-DNA position 2213, A replaced by T.
Protein change: p.Asp738Val; replaces aspartic acid 738 with valine.
Molecular consequence: missense variant.
Genome position (GRCh38, 1-based): chr9:132,902,783, T>A on the plus strand (A>T on the coding strand, the complement: TSC1 is on the minus strand). VCF-style: chr9-132902783-T-A. GRCh37 (hg19) VCF-style: chr9-135778170-T-A.
Other names: c.2210A>T, p.Asp737Val (NM_001162426.2); c.2060A>T, p.Asp687Val (NM_001162427.2); c.1850A>T, p.Asp617Val (NM_001362177.2); short protein forms D617V, D687V, D737V, D738V.
Identifiers: ClinVar variation 1310011 (VCV001310011.9), dbSNP rs1350928783, ClinGen allele CA375360134.